The following is an entry in ClinVar:

ClinVar aggregate classification (germline): Uncertain significance (1 of 4 stars; one submission).

Conditions:
Pitt-Hopkins-like syndrome 2 (PTHSL2). Identifiers: Orphanet 221150, Orphanet 600663, MedGen C3280479, MONDO:0013690, OMIM 614325.

Allele frequency attached by ClinVar (database versions not stated): TOPMed below 0.00001.

Submission:

Labcorp Genetics (formerly Invitae), Labcorp
Classification: Uncertain significance for Pitt-Hopkins-like syndrome 2. Last evaluated: 2023-12-07. Review status: criteria provided, single submitter. Criteria: Invitae Variant Classification Sherloc (09022015). Collection method: clinical testing. Allele origin: germline.
Comment: This sequence change replaces aspartic acid, which is acidic and polar, with glycine, which is neutral and non-polar, at codon 111 of the NRXN1 protein (p.Asp111Gly). This variant is not present in population databases (gnomAD no frequency). This variant has not been reported in the literature in individuals affected with NRXN1-related conditions. ClinVar contains an entry for this variant (Variation ID: 1443655). An algorithm developed to predict the effect of missense changes on protein structure and function (PolyPhen-2) suggests that this variant is likely to be disruptive. In summary, the available evidence is currently insufficient to determine the role of this variant in disease. Therefore, it has been classified as a Variant of Uncertain Significance.

NM_001330078.2(NRXN1):c.332A>G (p.Asp111Gly)

Gene: NRXN1 (neurexin 1; minus strand). Cytogenetic location: 2p16.3.
Variant type: single nucleotide variant.
Coding change: c.332A>G on transcript NM_001330078.2 (MANE Select); coding-DNA position 332, A replaced by G.
Protein change: p.Asp111Gly; replaces aspartic acid 111 with glycine.
Molecular consequence: missense variant.
Genome position (GRCh38, 1-based): chr2:51,027,942, T>C on the plus strand (A>G on the coding strand, the complement: NRXN1 is on the minus strand). VCF-style: chr2-51027942-T-C. GRCh37 (hg19) VCF-style: chr2-51255080-T-C.
Other names: c.332A>G, p.Asp111Gly (NM_001135659.3, NM_001330077.2, NM_001330079.2 and 15 more transcripts); short protein forms D111G.
Identifiers: ClinVar variation 1443655 (VCV001443655.8), dbSNP rs1670842942, ClinGen allele CA346824225.